The following is an entry in ClinVar:

ClinVar aggregate classification (germline): Benign/Likely benign. Review status: criteria provided, multiple submitters, no conflicts (2 of 4 stars). 6 submissions from 6 submitters: Benign (4); Likely benign (1). 1 of the submissions does not count toward it. Last evaluated 2026-01-21.

Conditions:
AARS2-related disorder. Also called: AARS2-related condition; AARS2-related disorders. Identifiers: MedGen CN381518, MONDO:1060240.
Combined oxidative phosphorylation defect type 8. Also called: CARDIOMYOPATHY, HYPERTROPHIC MITOCHONDRIAL, FATAL INFANTILE. Identifiers: Orphanet 319504, MedGen C4518839, MONDO:0013570, OMIM 614096.
Leukoencephalopathy, progressive, with ovarian failure (LKENP). Identifiers: Orphanet 99853, MedGen C4014588, MONDO:0014387, OMIM 615889.

Allele frequency attached by ClinVar (database versions not stated): gnomAD 0.00713 and 0.00653; gnomAD exomes 0.00887; ESP Exome Variant Server 0.00507; TOPMed 0.00793; ExAC 0.00877; 1000 Genomes Project 0.01338; 1000 Genomes Project 30x 0.01390.
gnomAD v4.1: 11,436 of 1,614,218 alleles (0.71%); highest among the groups gnomAD compares: Middle Eastern, 4.9%; 108 homozygotes.

Submissions (20):

Labcorp Genetics (formerly Invitae), Labcorp
Classification: Benign. Last evaluated: 2026-01-21. Review status: criteria provided, single submitter. Criteria: Invitae Variant Classification Sherloc (09022015). Collection method: clinical testing. Allele origin: germline.

Fulgent Genetics
Classification: Likely benign for Combined oxidative phosphorylation defect type 8; Leukoencephalopathy, progressive, with ovarian failure. Last evaluated: 2021-11-16. Review status: criteria provided, single submitter. Criteria: ACMG Guidelines, 2015. Collection method: clinical testing. Allele origin: unknown.

Mayo Clinic Laboratories, Mayo Clinic
Classification: Benign. Last evaluated: 2018-07-23. Review status: criteria provided, single submitter. Criteria: ACMG Guidelines, 2015. Collection method: clinical testing. Allele origin: germline. Observed: 15 variant alleles.

Illumina Laboratory Services, Illumina
Classification: Benign for Combined oxidative phosphorylation defect type 8. Last evaluated: 2018-01-12. Review status: criteria provided, single submitter. Criteria: ICSL Variant Classification Criteria 13 December 2019. Collection method: clinical testing. Allele origin: germline.
Comment: This variant was observed in the ICSL laboratory as part of a predisposition screen in an ostensibly healthy population. It had not been previously curated by ICSL or reported in the Human Gene Mutation Database (HGMD: prior to June 1st, 2018), and was therefore a candidate for classification through an automated scoring system. Utilizing variant allele frequency, disease prevalence and penetrance estimates, and inheritance mode, an automated score was calculated to assess if this variant is too frequent to cause the disease. Based on the score and internal cut-off values, a variant classified as benign is not then subjected to further curation. The score for this variant resulted in a classification of benign for this disease.

GeneDx
Classification: Benign. Last evaluated: 2014-03-17. Review status: criteria provided, single submitter. Criteria: GeneDx Variant Classification (06012015). Collection method: clinical testing. Allele origin: germline. Affected: yes.
Comment: This variant is considered likely benign or benign based on one or more of the following criteria: it is a conservative change, it occurs at a poorly conserved position in the protein, it is predicted to be benign by multiple in silico algorithms, and/or has population frequency not consistent with disease.

PreventionGenetics, part of Exact Sciences
Classification: Likely benign for AARS2-related condition. Last evaluated: 2019-03-11. Review status: no assertion criteria provided. Collection method: clinical testing. Allele origin: germline. Not counted in ClinVar's aggregate classification.
Comment: This variant is classified as likely benign based on ACMG/AMP sequence variant interpretation guidelines (Richards et al. 2015 PMID: 25741868, with internal and published modifications).

Dr. Peter K. Rogan Lab, Western University
No classification provided (evidence only). Condition: Clear cell carcinoma of kidney. Review status: no classification provided. Collection method: in vitro. Allele origin: not applicable. Functional consequence: retained intron. Not counted in ClinVar's aggregate classification.

Dr. Peter K. Rogan Lab, Western University
No classification provided (evidence only). Condition: Melanoma. Review status: no classification provided. Collection method: in vitro. Allele origin: not applicable. Functional consequence: retained intron. Not counted in ClinVar's aggregate classification.

Dr. Peter K. Rogan Lab, Western University
No classification provided (evidence only). Condition: Familial cancer of breast. Review status: no classification provided. Collection method: in vitro. Allele origin: not applicable. Functional consequence: retained intron. Not counted in ClinVar's aggregate classification.

Dr. Peter K. Rogan Lab, Western University
No classification provided (evidence only). Condition: Acute myeloid leukemia. Review status: no classification provided. Collection method: in vitro. Allele origin: not applicable. Functional consequence: retained intron. Not counted in ClinVar's aggregate classification.

Dr. Peter K. Rogan Lab, Western University
No classification provided (evidence only). Condition: Acute myeloid leukemia. Review status: no classification provided. Collection method: in vitro. Allele origin: not applicable. Functional consequence: retained intron. Not counted in ClinVar's aggregate classification.

Dr. Peter K. Rogan Lab, Western University
No classification provided (evidence only). Condition: Colon adenocarcinoma. Review status: no classification provided. Collection method: in vitro. Allele origin: not applicable. Functional consequence: retained intron. Not counted in ClinVar's aggregate classification.

Dr. Peter K. Rogan Lab, Western University
No classification provided (evidence only). Condition: Uterine corpus endometrial carcinoma. Review status: no classification provided. Collection method: in vitro. Allele origin: not applicable. Functional consequence: retained intron. Not counted in ClinVar's aggregate classification.

Dr. Peter K. Rogan Lab, Western University
No classification provided (evidence only). Condition: Cervical cancer. Review status: no classification provided. Collection method: in vitro. Allele origin: not applicable. Functional consequence: retained intron. Not counted in ClinVar's aggregate classification.

Dr. Peter K. Rogan Lab, Western University
No classification provided (evidence only). Condition: Nonpapillary renal cell carcinoma. Review status: no classification provided. Collection method: in vitro. Allele origin: not applicable. Functional consequence: retained intron. Not counted in ClinVar's aggregate classification.

Dr. Peter K. Rogan Lab, Western University
No classification provided (evidence only). Condition: Ovarian serous cystadenocarcinoma. Review status: no classification provided. Collection method: in vitro. Allele origin: not applicable. Functional consequence: retained intron. Not counted in ClinVar's aggregate classification.

Dr. Peter K. Rogan Lab, Western University
No classification provided (evidence only). Condition: Ovarian serous cystadenocarcinoma. Review status: no classification provided. Collection method: in vitro. Allele origin: not applicable. Functional consequence: retained intron. Not counted in ClinVar's aggregate classification.

Dr. Peter K. Rogan Lab, Western University
No classification provided (evidence only). Condition: Gastric cancer. Review status: no classification provided. Collection method: in vitro. Allele origin: not applicable. Functional consequence: retained intron. Not counted in ClinVar's aggregate classification.

Dr. Peter K. Rogan Lab, Western University
No classification provided (evidence only). Condition: Ovarian cancer. Review status: no classification provided. Collection method: in vitro. Allele origin: not applicable. Functional consequence: retained intron. Not counted in ClinVar's aggregate classification.

Dr. Peter K. Rogan Lab, Western University
No classification provided (evidence only). Condition: Ovarian cancer. Review status: no classification provided. Collection method: in vitro. Allele origin: not applicable. Functional consequence: retained intron. Not counted in ClinVar's aggregate classification.

NM_020745.4(AARS2):c.1752G>A (p.Glu584=)

Gene: AARS2 (alanyl-tRNA synthetase 2, mitochondrial; minus strand). Cytogenetic location: 6p21.1.
Variant type: single nucleotide variant.
Coding change: c.1752G>A on transcript NM_020745.4 (MANE Select); coding-DNA position 1752, G replaced by A.
Protein change: p.Glu584=; no amino-acid change (glutamic acid 584 retained).
Molecular consequence: synonymous variant.
Genome position (GRCh38, 1-based): chr6:44,304,645, C>T on the plus strand (G>A on the coding strand, the complement: AARS2 is on the minus strand). VCF-style: chr6-44304645-C-T. GRCh37 (hg19) VCF-style: chr6-44272382-C-T.
Other names: p.E584E:GAG>GAA; p.Glu584=.
Identifiers: ClinVar variation 136231 (VCV000136231.20), dbSNP rs78525157, ClinGen allele CA289209.
Genomic context (GRCh38, chr6:44,304,645, plus strand): 5'-CCCACTCAGGCTTGGGTCTGCCGCCCACAGAAATCAGCCTGGGTTGTGATGGAGACTCAC[C>T]TCTTGCCCTGCCCGCACCAGGTAGCCACGGTCTGAAGCCTGGCCCCCCTGTTCTGCGTAG-3'
Protein context (NP_065796.2, residues 574-594): DRGYLVRAGQ[Glu584=]DVLFPVARAQ